The following is an entry in ClinVar:

ClinVar aggregate classification (germline): Uncertain significance. Review status: criteria provided, multiple submitters, no conflicts (2 of 4 stars). 3 submissions from 3 submitters: Uncertain significance (3). Last evaluated 2022-09-09.

Conditions:
Inborn genetic diseases. Identifiers: MedGen C0950123, MeSH D030342.

Allele frequency attached by ClinVar (database versions not stated): ExAC 0.00002; gnomAD exomes 0.00002; TOPMed 0.00003; gnomAD 0.00007; ESP Exome Variant Server 0.00008.
gnomAD v4.1: 28 of 1,570,158 alleles (0.0018%); highest among the groups gnomAD compares: African/African-American, 0.0068%; no homozygotes.

Submissions (3):

Blueprint Genetics
Classification: Uncertain significance. Last evaluated: 2022-09-09. Review status: criteria provided, single submitter. Criteria: ACMG Guidelines, 2015. Collection method: clinical testing. Allele origin: germline.

Ambry Genetics
Classification: Uncertain significance for Inborn genetic diseases. Last evaluated: 2022-05-11. Review status: criteria provided, single submitter. Criteria: Ambry Variant Classification Scheme 2023. Collection method: clinical testing. Allele origin: germline.

Labcorp Genetics (formerly Invitae), Labcorp
Classification: Uncertain significance. Last evaluated: 2021-09-24. Review status: criteria provided, single submitter. Criteria: Invitae Variant Classification Sherloc (09022015). Collection method: clinical testing. Allele origin: germline.
Comment: This sequence change replaces arginine with glutamine at codon 400 of the ARHGEF18 protein (p.Arg400Gln). The arginine residue is highly conserved and there is a small physicochemical difference between arginine and glutamine. This variant is present in population databases (rs143431540, ExAC 0.01%). This variant has not been reported in the literature in individuals affected with ARHGEF18-related conditions. Algorithms developed to predict the effect of missense changes on protein structure and function are either unavailable or do not agree on the potential impact of this missense change (SIFT: "Deleterious"; PolyPhen-2: "Possibly Damaging"; Align-GVGD: "Class C0"). Algorithms developed to predict the effect of sequence changes on RNA splicing suggest that this variant may create or strengthen a splice site. In summary, the available evidence is currently insufficient to determine the role of this variant in disease. Therefore, it has been classified as a Variant of Uncertain Significance.

NM_001367823.1(ARHGEF18):c.1763G>A (p.Arg588Gln)

Gene: ARHGEF18 (Rho/Rac guanine nucleotide exchange factor 18; plus strand). Cytogenetic location: 19p13.2.
Variant type: single nucleotide variant.
Coding change: c.1763G>A on transcript NM_001367823.1 (MANE Select); coding-DNA position 1763, G replaced by A.
Protein change: p.Arg588Gln; replaces arginine 588 with glutamine.
Molecular consequence: missense variant.
Genome position (GRCh38, 1-based): chr19:7,451,174, G>A. VCF-style: chr19-7451174-G-A. GRCh37 (hg19) VCF-style: chr19-7516060-G-A.
Other names: c.1037G>A, p.Arg346Gln (NM_001130955.2); c.725G>A, p.Arg242Gln (NM_001367824.1, NM_015318.4); c.1199G>A (NM_001130955.1); short protein forms R242Q, R346Q, R588Q.
Identifiers: ClinVar variation 1064043 (VCV001064043.8), dbSNP rs143431540, ClinGen allele CA9136603.